The following is an entry in ClinVar:

NM_003001.5(SDHC):c.115G>C (p.Glu39Gln)

Gene: SDHC (succinate dehydrogenase complex subunit C; plus strand). Cytogenetic location: 1q23.3.
Variant type: single nucleotide variant.
Coding change: c.115G>C on transcript NM_003001.5 (MANE Select); coding-DNA position 115, G replaced by C.
Protein change: p.Glu39Gln; replaces glutamic acid 39 with glutamine.
Molecular consequence: missense variant. On other transcripts: non-coding transcript variant (1), intron variant (4).
Genome position (GRCh38, 1-based): chr1:161,328,433, G>C. VCF-style: chr1-161328433-G-C. GRCh37 (hg19) VCF-style: chr1-161298223-G-C.
Other names: c.115G>C, p.Glu39Gln (NM_001035511.3, NM_001407115.1); c.58G>C, p.Glu20Gln (NM_001407116.1, NM_001407117.1, NM_001407121.1); c.4G>C, p.Glu2Gln (NM_001407119.1, NM_001407120.1); c.77+4763G>C (NM_001035512.3, NM_001278172.3, NM_001407118.1); c.21-12161G>C (NM_001035513.3); short protein forms E20Q, E2Q, E39Q.
Identifiers: ClinVar variation 2943036 (VCV002943036.3), dbSNP rs2526364595, ClinGen allele CA343361026.

ClinVar aggregate classification (germline): Uncertain significance (1 of 4 stars; one submission).

Conditions:
Gastrointestinal stromal tumor. Also called: Gastrointestinal stromal tumor, somatic; Gastrointestinal stroma tumor. Identifiers: Orphanet 44890, MedGen C0238198, MeSH D046152, MONDO:0011719, OMIM 606764, HP:0100723.
Pheochromocytoma/paraganglioma syndrome 3. Also called: GLOMUS TUMORS, FAMILIAL, 3; Paragangliomas 3; SDHC-Related Hereditary Paraganglioma-Pheochromocytoma Syndrome (Paragangliomas 3); SDHC-Related Hereditary Paraganglioma-Pheochromocytoma Syndrome. Identifiers: Orphanet 29072, MedGen C1854336, MONDO:0011544, OMIM 605373.

Submission:

Labcorp Genetics (formerly Invitae), Labcorp
Classification: Uncertain significance for Pheochromocytoma/paraganglioma syndrome 3; Gastrointestinal stromal tumor. Last evaluated: 2023-01-09. Review status: criteria provided, single submitter. Criteria: Invitae Variant Classification Sherloc (09022015). Collection method: clinical testing. Allele origin: germline.
Comment: In summary, the available evidence is currently insufficient to determine the role of this variant in disease. Therefore, it has been classified as a Variant of Uncertain Significance. Algorithms developed to predict the effect of missense changes on protein structure and function (SIFT, PolyPhen-2, Align-GVGD) all suggest that this variant is likely to be tolerated. This variant has not been reported in the literature in individuals affected with SDHC-related conditions. This variant is not present in population databases (gnomAD no frequency). This sequence change replaces glutamic acid, which is acidic and polar, with glutamine, which is neutral and polar, at codon 39 of the SDHC protein (p.Glu39Gln).